The following is an entry in ClinVar:

ClinVar aggregate classification (germline): Pathogenic/Likely pathogenic. Review status: criteria provided, multiple submitters, no conflicts (2 of 4 stars). 2 submissions from 2 submitters: Pathogenic (1); Likely pathogenic (1). Last evaluated 2025-09-16.

Conditions:
Juvenile retinoschisis (RS1). Also called: X-linked retinoschisis; X-Linked Juvenile Retinoschisis. Identifiers: Orphanet 792, MedGen C3714753, MONDO:0010725, OMIM 312700.

Submissions (2):

Women's Health and Genetics/Laboratory Corporation of America, LabCorp
Classification: Likely pathogenic for Juvenile retinoschisis. Last evaluated: 2025-09-16. Review status: criteria provided, single submitter. Criteria: LabCorp Variant Classification Summary - May 2015. Collection method: clinical testing. Allele origin: germline.
Comment: Variant summary: RS1 c.188G>T (p.Cys63Phe) results in a non-conservative amino acid change in the encoded protein sequence. Algorithms developed to predict the effect of missense changes on protein structure and function all suggest that this variant is likely to be disruptive. The variant was absent in 183335 control chromosomes. c.188G>T has been observed in the hemizygous state in at least 2 individual(s) affected with Retinoschisis (example, Bender_2022, Xiao_2023). These data indicate that the variant may be associated with disease. A different variant at the same codon (c.187T>C, p.Cys63Arg) has been determined to be likely pathogenic/pathogenic by our laboratory, supporting the clinical relevance of codon 63 for RS1 protein function (PMID: 31106028, 35456481,33460243, Labcorp Genetics (formerly Invitae)). To our knowledge, no experimental evidence demonstrating an impact on protein function has been reported. The following publications have been ascertained in the context of this evaluation (PMID: 35456481, 34645606). ClinVar contains an entry for this variant (Variation ID: 2113491). Based on the evidence outlined above, the variant was classified as likely pathogenic.

Labcorp Genetics (formerly Invitae), Labcorp
Classification: Pathogenic. Last evaluated: 2024-03-11. Review status: criteria provided, single submitter. Criteria: Invitae Variant Classification Sherloc (09022015). Collection method: clinical testing. Allele origin: germline.
Comment: This sequence change replaces cysteine, which is neutral and slightly polar, with phenylalanine, which is neutral and non-polar, at codon 63 of the RS1 protein (p.Cys63Phe). This variant is not present in population databases (gnomAD no frequency). This missense change has been observed in individuals with X-linked juvenile retinoschisis (PMID: 34645606, 35456481). ClinVar contains an entry for this variant (Variation ID: 2113491). Advanced modeling of protein sequence and biophysical properties (such as structural, functional, and spatial information, amino acid conservation, physicochemical variation, residue mobility, and thermodynamic stability) performed at Invitae indicates that this missense variant is expected to disrupt RS1 protein function with a positive predictive value of 95%. This variant disrupts the p.Cys63 amino acid residue in RS1. Other variant(s) that disrupt this residue have been determined to be pathogenic (PMID: 29739629, 33460243; Invitae). This suggests that this residue is clinically significant, and that variants that disrupt this residue are likely to be disease-causing. For these reasons, this variant has been classified as Pathogenic.

Literature cited by the submitters: PubMed 34645606 (cited by Women's Health and Genetics/Laboratory Corporation of America, LabCorp and Labcorp Genetics (formerly Invitae), Labcorp); PubMed 35456481 (cited by Women's Health and Genetics/Laboratory Corporation of America, LabCorp and Labcorp Genetics (formerly Invitae), Labcorp); PubMed 29739629 (cited by Labcorp Genetics (formerly Invitae), Labcorp); PubMed 33460243 (cited by Labcorp Genetics (formerly Invitae), Labcorp).

NM_000330.4(RS1):c.188G>T (p.Cys63Phe)

Genes: CDKL5 (cyclin dependent kinase like 5; plus strand), RS1 (retinoschisin 1; minus strand). Cytogenetic location: Xp22.13.
Variant type: single nucleotide variant.
Coding change: c.188G>T on transcript NM_000330.4 (MANE Select); coding-DNA position 188, G replaced by T.
Protein change: p.Cys63Phe; replaces cysteine 63 with phenylalanine.
Molecular consequence: missense variant. On other transcripts: intron variant (2).
Genome position (GRCh38, 1-based): chrX:18,647,329, C>A on the plus strand (G>T on the coding strand, the complement: RS1 is on the minus strand). VCF-style: chrX-18647329-C-A. GRCh37 (hg19) VCF-style: chrX-18665449-C-A.
Other names: c.2797+1239C>A (NM_003159.3, NM_001037343.2); short protein forms C63F.
Identifiers: ClinVar variation 2113491 (VCV002113491.5), dbSNP rs760405772, ClinGen allele CA412373011.